The following is an entry in ClinVar:

NM_001134407.3(GRIN2A):c.3376C>G (p.Pro1126Ala)

Gene: GRIN2A (glutamate ionotropic receptor NMDA type subunit 2A; minus strand). Cytogenetic location: 16p13.2.
Variant type: single nucleotide variant.
Coding change: c.3376C>G on transcript NM_001134407.3 (MANE Select); coding-DNA position 3376, C replaced by G.
Protein change: p.Pro1126Ala; replaces proline 1126 with alanine.
Molecular consequence: missense variant.
Genome position (GRCh38, 1-based): chr16:9,764,168, G>C on the plus strand (C>G on the coding strand, the complement: GRIN2A is on the minus strand). VCF-style: chr16-9764168-G-C. GRCh37 (hg19) VCF-style: chr16-9858025-G-C.
Other names: c.3376C>G, p.Pro1126Ala (NM_000833.5, NM_001134408.2); short protein forms P1126A.
Identifiers: ClinVar variation 3671662 (VCV003671662.2).

ClinVar aggregate classification (germline): Uncertain significance (1 of 4 stars; one submission).

Conditions:
Landau-Kleffner syndrome (FESD). Also called: EPILEPSY, FOCAL, WITH SPEECH DISORDER AND WITH OR WITHOUT MENTAL RETARDATION; APHASIA, ACQUIRED, WITH EPILEPSY. Identifiers: Orphanet 1945, Orphanet 725, Orphanet 98818, MedGen C0282512, MONDO:0009509, OMIM 245570.

gnomAD v4.1: 1 of 1,613,452 alleles (0.000062%); highest among the groups gnomAD compares: Non-Finnish European, 0.000085%; no homozygotes.

Submission:

Labcorp Genetics (formerly Invitae), Labcorp
Classification: Uncertain significance for Landau-Kleffner syndrome. Last evaluated: 2024-03-03. Review status: criteria provided, single submitter. Criteria: Invitae Variant Classification Sherloc (09022015). Collection method: clinical testing. Allele origin: germline.
Comment: This sequence change replaces proline, which is neutral and non-polar, with alanine, which is neutral and non-polar, at codon 1126 of the GRIN2A protein (p.Pro1126Ala). This variant is not present in population databases (gnomAD no frequency). This variant has not been reported in the literature in individuals affected with GRIN2A-related conditions. Advanced modeling of protein sequence and biophysical properties (such as structural, functional, and spatial information, amino acid conservation, physicochemical variation, residue mobility, and thermodynamic stability) performed at Invitae indicates that this missense variant is not expected to disrupt GRIN2A protein function with a negative predictive value of 95%. In summary, the available evidence is currently insufficient to determine the role of this variant in disease. Therefore, it has been classified as a Variant of Uncertain Significance.